The following is an entry in ClinVar:

ClinVar aggregate classification (germline): Likely benign. Review status: criteria provided, single submitter (1 of 4 stars). 2 submissions from 2 submitters: Likely benign (1). 1 of the submissions does not count toward it. Last evaluated 2026-01-19.

Conditions:
SCP2-related disorder. Also called: SCP2-related condition.

Allele frequency attached by ClinVar (database versions not stated): gnomAD exomes 0.00001 and 0.00006; gnomAD 0.00002 and 0.00003; TOPMed 0.00002; ExAC 0.00003; 1000 Genomes Project 0.00020; 1000 Genomes Project 30x 0.00031.
gnomAD v4.1: 20 of 1,613,694 alleles (0.0012%); highest among the groups gnomAD compares: Admixed American, 0.03%; no homozygotes.

Submissions (2):

Labcorp Genetics (formerly Invitae), Labcorp
Classification: Likely benign. Last evaluated: 2026-01-19. Review status: criteria provided, single submitter. Criteria: Invitae Variant Classification Sherloc (09022015). Collection method: clinical testing. Allele origin: germline.

PreventionGenetics, part of Exact Sciences
Classification: Likely benign for SCP2-related condition. Last evaluated: 2021-12-15. Review status: no assertion criteria provided. Collection method: clinical testing. Allele origin: germline. Not counted in ClinVar's aggregate classification.
Comment: This variant is classified as likely benign based on ACMG/AMP sequence variant interpretation guidelines (Richards et al. 2015 PMID: 25741868, with internal and published modifications).

NM_002979.5(SCP2):c.1116G>A (p.Leu372=)

Gene: SCP2 (sterol carrier protein 2; plus strand). Cytogenetic location: 1p32.3.
Variant type: single nucleotide variant.
Coding change: c.1116G>A on transcript NM_002979.5 (MANE Select); coding-DNA position 1116, G replaced by A.
Protein change: p.Leu372=; no amino-acid change (leucine 372 retained).
Molecular consequence: synonymous variant.
Genome position (GRCh38, 1-based): chr1:53,014,924, G>A. VCF-style: chr1-53014924-G-A. GRCh37 (hg19) VCF-style: chr1-53480596-G-A.
Other names: c.1116G>A (NM_002979.4); c.1044G>A, p.Leu348= (NM_001193599.2); c.984G>A, p.Leu328= (NM_001193600.2); c.873G>A, p.Leu291= (NM_001193617.2).
Identifiers: ClinVar variation 1582115 (VCV001582115.11), dbSNP rs191994831, ClinGen allele CA857338.